The following is an entry in ClinVar:

ClinVar aggregate classification (germline): Likely benign. Review status: criteria provided, multiple submitters, no conflicts (2 of 4 stars). 2 submissions from 2 submitters: Likely benign (2). Last evaluated 2025-12-06.

Conditions:
CEP164-related disorder. Also called: CEP164-related condition.
Nephronophthisis 15 (NPHP15). Identifiers: Orphanet 3156, MedGen C3541853, MONDO:0013917, OMIM 614845.

Allele frequency attached by ClinVar (database versions not stated): ExAC 0.00002; gnomAD 0.00002; TOPMed 0.00002; ESP Exome Variant Server 0.00008; gnomAD exomes 0.00001.
gnomAD v4.1: 14 of 1,613,074 alleles (0.00087%); highest among the groups gnomAD compares: Admixed American, 0.0017%; no homozygotes.

Submissions (2):

Labcorp Genetics (formerly Invitae), Labcorp
Classification: Likely benign for Nephronophthisis 15. Last evaluated: 2025-12-06. Review status: criteria provided, single submitter. Criteria: Invitae Variant Classification Sherloc (09022015). Collection method: clinical testing. Allele origin: germline.

PreventionGenetics, part of Exact Sciences
Classification: Likely benign for CEP164-related condition. Last evaluated: 2025-06-26. Review status: criteria provided, single submitter. Criteria: ACMG Guidelines, 2015. Collection method: clinical testing. Allele origin: germline.
Comment: This variant is classified as likely benign based on ACMG/AMP sequence variant interpretation guidelines (Richards et al. 2015 PMID: 25741868, with internal and published modifications).

NM_014956.5(CEP164):c.162C>T (p.Ile54=)

Gene: CEP164 (centrosomal protein 164; plus strand). Cytogenetic location: 11q23.3.
Variant type: single nucleotide variant.
Coding change: c.162C>T on transcript NM_014956.5 (MANE Select); coding-DNA position 162, C replaced by T.
Protein change: p.Ile54=; no amino-acid change (isoleucine 54 retained).
Molecular consequence: synonymous variant.
Genome position (GRCh38, 1-based): chr11:117,344,245, C>T. VCF-style: chr11-117344245-C-T. GRCh37 (hg19) VCF-style: chr11-117214961-C-T.
Other names: c.162C>T (NM_014956.4); c.162C>T, p.Ile54= (NM_001271933.2).
Identifiers: ClinVar variation 2911705 (VCV002911705.4), dbSNP rs144777570, ClinGen allele CA6294338.